The following is an entry in ClinVar:

NM_000092.5(COL4A4):c.2780G>A (p.Gly927Glu)

Gene: COL4A4 (collagen type IV alpha 4 chain; minus strand). Cytogenetic location: 2q36.3.
Variant type: single nucleotide variant.
Coding change: c.2780G>A on transcript NM_000092.5 (MANE Select); coding-DNA position 2780, G replaced by A.
Protein change: p.Gly927Glu; replaces glycine 927 with glutamic acid.
Molecular consequence: missense variant.
Genome position (GRCh38, 1-based): chr2:227,054,674, C>T on the plus strand (G>A on the coding strand, the complement: COL4A4 is on the minus strand). VCF-style: chr2-227054674-C-T. GRCh37 (hg19) VCF-style: chr2-227919390-C-T.
Other names: p.(Gly927Glu); short protein forms G927E.
Identifiers: ClinVar variation 4884696 (VCV004884696.1).

ClinVar aggregate classification (germline): Likely pathogenic (1 of 4 stars; one submission).

Conditions:
Hematuria, benign familial, 1 (BFH1). Also called: THIN MEMBRANE NEPHROPATHY. Identifiers: MedGen CN376803, MONDO:0007709, OMIM 141200.

gnomAD v4.1: 3 of 1,614,254 alleles (0.00019%); highest among the groups gnomAD compares: South Asian, 0.0033%; no homozygotes.

Submission:

Centre de Génétique Humaine, Institut de Pathologie Et de Génétique
Classification: Likely pathogenic for Hematuria, benign familial, 1. Last evaluated: 2026-05-08. Review status: criteria provided, single submitter. Criteria: ACMG Guidelines, 2015. Collection method: clinical testing. Allele origin: maternal, germline. Inheritance: Autosomal dominant inheritance. Affected: yes. Observed: 3 variant alleles, 3 heterozygotes. Clinical features observed: Microscopic hematuria (HP:0002907). Segregation with disease observed.
Comment: This missense variant involves a highly conserved glycine located in a ‘Gly-X-Y’ motif in collagenous region, which is characteristic of the pathogenic variants identified in the COL4A4 gene (PM1,PP2). This variant is rare: allelic frequency of 0.00018% in gnomAD v4.1.0 database (PM2). Another missense variant affecting the same residue described as LP in ClinVar, c.2780G>T, p.Gly927Val (PM5). In silico analysis supports that this missense variant has a deleterious effect (PP3).